The following is an entry in ClinVar:

NM_016006.6(ABHD5):c.773+28TG[23]

Gene: ABHD5 (abhydrolase domain containing 5, lysophosphatidic acid acyltransferase; plus strand). Cytogenetic location: 3p21.33.
Variant type: Microsatellite.
Coding change: c.773+28TG[23] on transcript NM_016006.6 (MANE Select); 23 copies in a row of the 2-base unit TG starting at c.773+28.
Molecular consequence: intron variant.
Genome position: GRCh38 VCF-style: chr3-43715085-C-CTGTGTGTGTGTG. GRCh37 (hg19) VCF-style: chr3-43756577-C-CTGTGTGTGTGTG.
Other names: p.?; c.773+51_773+62dup (NM_016006.6); c.773+28TG[23] (NM_001365650.1, NM_001355186.2); c.650+28TG[23] (NM_001365649.1).
Identifiers: ClinVar variation 4684689 (VCV004684689.1).

ClinVar aggregate classification (germline): Likely benign (1 of 4 stars; one submission).

Submission:

Mayo Clinic Laboratories, Mayo Clinic
Classification: Likely benign. Last evaluated: 2025-09-22. Review status: criteria provided, single submitter. Criteria: ACMG Guidelines, 2015. Collection method: clinical testing. Allele origin: germline. Observed: 4 variant alleles.
Comment: BP4, BP7